The following is an entry in ClinVar:

NM_138420.4(AHNAK2):c.9789G>C (p.Thr3263=)

Gene: AHNAK2 (AHNAK nucleoprotein 2; minus strand). Cytogenetic location: 14q32.33.
Variant type: single nucleotide variant.
Coding change: c.9789G>C on transcript NM_138420.4 (MANE Select); coding-DNA position 9789, G replaced by C.
Protein change: p.Thr3263=; no amino-acid change (threonine 3263 retained).
Molecular consequence: synonymous variant.
Genome position (GRCh38, 1-based): chr14:104,945,662, C>G on the plus strand (G>C on the coding strand, the complement: AHNAK2 is on the minus strand). VCF-style: chr14-104945662-C-G. GRCh37 (hg19) VCF-style: chr14-105411999-C-G.
Other names: c.9489G>C, p.Thr3163= (NM_001350929.2).
Identifiers: ClinVar variation 2644683 (VCV002644683.24), dbSNP rs777990695, ClinGen allele CA7379465.

ClinVar aggregate classification (germline): Likely benign (1 of 4 stars; one submission).

Submission:

CeGaT Center for Human Genetics Tuebingen
Classification: Likely benign. Last evaluated: 2022-10-01. Review status: criteria provided, single submitter. Criteria: CeGaT Center For Human Genetics Tuebingen Variant Classification Criteria Version 2. Collection method: clinical testing. Allele origin: germline. Affected: yes. Observed: 1 variant allele.
Comment: AHNAK2: BP4, BP7